The following is an entry in ClinVar:

ClinVar aggregate classification (germline): Uncertain significance (1 of 4 stars; one submission).

Conditions:
Neuronal ceroid lipofuscinosis. Also called: Neuronal Ceroid Lipofuscinoses. Identifiers: Orphanet 216, Orphanet 79263, MedGen C0027877, MONDO:0016295. Disease mechanism: loss of function.

gnomAD v4.1: 4 of 1,614,174 alleles (0.00025%); highest among the groups gnomAD compares: Non-Finnish European, 0.00034%; no homozygotes.

Submission:

Labcorp Genetics (formerly Invitae), Labcorp
Classification: Uncertain significance for Neuronal ceroid lipofuscinosis. Last evaluated: 2024-08-11. Review status: criteria provided, single submitter. Criteria: Invitae Variant Classification Sherloc (09022015). Collection method: clinical testing. Allele origin: germline.
Comment: This sequence change replaces serine, which is neutral and polar, with asparagine, which is neutral and polar, at codon 77 of the CLN8 protein (p.Ser77Asn). This variant is not present in population databases (gnomAD no frequency). This variant has not been reported in the literature in individuals affected with CLN8-related conditions. Advanced modeling of protein sequence and biophysical properties (such as structural, functional, and spatial information, amino acid conservation, physicochemical variation, residue mobility, and thermodynamic stability) performed at Invitae indicates that this missense variant is not expected to disrupt CLN8 protein function with a negative predictive value of 80%. In summary, the available evidence is currently insufficient to determine the role of this variant in disease. Therefore, it has been classified as a Variant of Uncertain Significance.

NM_018941.4(CLN8):c.230G>A (p.Ser77Asn)

Gene: CLN8 (CLN8 transmembrane ER and ERGIC protein; plus strand). Cytogenetic location: 8p23.3.
Variant type: single nucleotide variant.
Coding change: c.230G>A on transcript NM_018941.4 (MANE Select); coding-DNA position 230, G replaced by A.
Protein change: p.Ser77Asn; replaces serine 77 with asparagine.
Molecular consequence: missense variant.
Genome position (GRCh38, 1-based): chr8:1,771,284, G>A. VCF-style: chr8-1771284-G-A. GRCh37 (hg19) VCF-style: chr8-1719450-G-A.
Other names: short protein forms S77N.
Identifiers: ClinVar variation 3719586 (VCV003719586.2).